The following is an entry in ClinVar:

ClinVar aggregate classification (germline): Uncertain significance (1 of 4 stars; one submission).

gnomAD v4.1: 1 of 1,552,298 alleles (0.000064%); highest among the groups gnomAD compares: Non-Finnish European, 0.000087%; no homozygotes.

Submission:

GeneDx
Classification: Uncertain significance. Last evaluated: 2024-12-14. Review status: criteria provided, single submitter. Criteria: GeneDx Variant Classification Process June 2021. Collection method: clinical testing. Allele origin: germline. Affected: yes.
Comment: Not observed at significant frequency in large population cohorts (gnomAD); In silico analysis indicates that this missense variant does not alter protein structure/function; Has not been previously published as pathogenic or benign to our knowledge

NM_001394998.1(TANC2):c.4337A>G (p.Gln1446Arg)

Gene: TANC2 (tetratricopeptide repeat, ankyrin repeat and coiled-coil containing 2; plus strand). Cytogenetic location: 17q23.3.
Variant type: single nucleotide variant.
Coding change: c.4337A>G on transcript NM_001394998.1 (MANE Select); coding-DNA position 4337, A replaced by G.
Protein change: p.Gln1446Arg; replaces glutamine 1446 with arginine.
Molecular consequence: missense variant.
Genome position (GRCh38, 1-based): chr17:63,420,067, A>G. VCF-style: chr17-63420067-A-G. GRCh37 (hg19) VCF-style: chr17-61497428-A-G.
Other names: c.4115A>G, p.Gln1372Arg (NM_001411076.1); c.4085A>G, p.Gln1362Arg (NM_025185.4); short protein forms Q1362R, Q1372R, Q1446R.
Identifiers: ClinVar variation 3906681 (VCV003906681.1).